The following is an entry in ClinVar:

ClinVar aggregate classification (germline): Uncertain significance (1 of 4 stars; one submission).

Submission:

GeneDx
Classification: Uncertain significance. Last evaluated: 2024-03-07. Review status: criteria provided, single submitter. Criteria: GeneDx Variant Classification Process June 2021. Collection method: clinical testing. Allele origin: germline. Affected: yes.
Comment: Not observed at significant frequency in large population cohorts (gnomAD); In silico analysis supports that this missense variant does not alter protein structure/function; Has not been previously published as pathogenic or benign to our knowledge

NM_007118.4(TRIO):c.5161T>C (p.Ser1721Pro)

Gene: TRIO (trio Rho guanine nucleotide exchange factor; plus strand). Cytogenetic location: 5p15.2.
Variant type: single nucleotide variant.
Coding change: c.5161T>C on transcript NM_007118.4 (MANE Select); coding-DNA position 5161, T replaced by C.
Protein change: p.Ser1721Pro; replaces serine 1721 with proline.
Molecular consequence: missense variant. On other transcripts: non-coding transcript variant (1).
Genome position (GRCh38, 1-based): chr5:14,419,979, T>C. VCF-style: chr5-14419979-T-C. GRCh37 (hg19) VCF-style: chr5-14420088-T-C.
Other names: short protein forms S1721P.
Identifiers: ClinVar variation 3370644 (VCV003370644.1).